The following is an entry in ClinVar:

NM_177924.5(ASAH1):c.10C>G (p.Arg4Gly)

Genes: ASAH1 (N-acylsphingosine amidohydrolase 1; minus strand), LOC129999940 (ATAC-STARR-seq lymphoblastoid silent region 18966; plus strand). Cytogenetic location: 8p22.
Variant type: single nucleotide variant.
Coding change: c.10C>G on transcript NM_177924.5 (MANE Select); coding-DNA position 10, C replaced by G.
Protein change: p.Arg4Gly; replaces arginine 4 with glycine.
Molecular consequence: missense variant. On other transcripts: intron variant (2).
Genome position (GRCh38, 1-based): chr8:18,084,049, G>C on the plus strand (C>G on the coding strand, the complement: ASAH1 is on the minus strand). VCF-style: chr8-18084049-G-C. GRCh37 (hg19) VCF-style: chr8-17941558-G-C.
Other names: c.126+627C>G (NM_004315.6, NM_001127505.3); short protein forms R4G.
Identifiers: ClinVar variation 1037219 (VCV001037219.3), dbSNP rs528669708, ClinGen allele CA4651135.

ClinVar aggregate classification (germline): Uncertain significance (1 of 4 stars; one submission).

Allele frequency attached by ClinVar (database versions not stated): TOPMed 0.00006; ExAC 0.00003; 1000 Genomes Project 0.00020; 1000 Genomes Project 30x 0.00016.
gnomAD v4.1: 77 of 1,598,756 alleles (0.0048%); highest among the groups gnomAD compares: Non-Finnish European, 0.0059%; no homozygotes.

Submission:

Labcorp Genetics (formerly Invitae), Labcorp
Classification: Uncertain significance. Last evaluated: 2023-12-21. Review status: criteria provided, single submitter. Criteria: Invitae Variant Classification Sherloc (09022015). Collection method: clinical testing. Allele origin: germline.
Comment: This sequence change replaces arginine, which is basic and polar, with glycine, which is neutral and non-polar, at codon 4 of the ASAH1 protein (p.Arg4Gly). This variant is present in population databases (rs528669708, gnomAD 0.006%). This variant has not been reported in the literature in individuals affected with ASAH1-related conditions. ClinVar contains an entry for this variant (Variation ID: 1037219). An algorithm developed to predict the effect of missense changes on protein structure and function (PolyPhen-2) suggests that this variant is likely to be disruptive. In summary, the available evidence is currently insufficient to determine the role of this variant in disease. Therefore, it has been classified as a Variant of Uncertain Significance.